The following is an entry in ClinVar:

ClinVar aggregate classification (germline): Uncertain significance (1 of 4 stars; one submission).

Submission:

GeneDx
Classification: Uncertain significance. Last evaluated: 2019-04-12. Review status: criteria provided, single submitter. Criteria: GeneDx Variant Classification Process June 2021. Collection method: clinical testing. Allele origin: germline. Affected: yes.
Comment: Has not been previously published as pathogenic or benign to our knowledge; Not observed in large population cohorts (Lek et al., 2016); In silico analysis, which includes protein predictors and evolutionary conservation, supports a deleterious effect

NM_003070.5(SMARCA2):c.4370G>A (p.Arg1457His)

Gene: SMARCA2 (SWI/SNF related, matrix associated, actin dependent regulator of chromatin, subfamily a, member 2; plus strand). Cytogenetic location: 9p24.3.
Variant type: single nucleotide variant.
Coding change: c.4370G>A on transcript NM_003070.5 (MANE Select); coding-DNA position 4370, G replaced by A.
Protein change: p.Arg1457His; replaces arginine 1457 with histidine.
Molecular consequence: missense variant.
Genome position (GRCh38, 1-based): chr9:2,182,151, G>A. VCF-style: chr9-2182151-G-A. GRCh37 (hg19) VCF-style: chr9-2182151-G-A.
Other names: c.4370G>A, p.Arg1457His (NM_001289396.2); c.4142G>A, p.Arg1381His (NM_001289397.2); c.344G>A, p.Arg115His (NM_001289398.2); c.428G>A, p.Arg143His (NM_001289399.2); c.434G>A, p.Arg145His (NM_001289400.2); c.4316G>A, p.Arg1439His (NM_139045.4); short protein forms R115H, R1381H, R1439H, R143H, R1457H, R145H.
Identifiers: ClinVar variation 1305007 (VCV001305007.2), dbSNP rs1264921290, ClinGen allele CA372789928.